The following is an entry in ClinVar:

NM_015466.4(PTPN23):c.3901C>T (p.Arg1301Cys)

Gene: PTPN23 (protein tyrosine phosphatase non-receptor type 23; plus strand). Cytogenetic location: 3p21.31.
Variant type: single nucleotide variant.
Coding change: c.3901C>T on transcript NM_015466.4 (MANE Select); coding-DNA position 3901, C replaced by T.
Protein change: p.Arg1301Cys; replaces arginine 1301 with cysteine.
Molecular consequence: missense variant.
Genome position (GRCh38, 1-based): chr3:47,411,795, C>T. VCF-style: chr3-47411795-C-T. GRCh37 (hg19) VCF-style: chr3-47453285-C-T.
Other names: c.3523C>T, p.Arg1175Cys (NM_001304482.2); c.3901C>T (NM_015466.2, NM_015466.3); short protein forms R1175C, R1301C.
Identifiers: ClinVar variation 1473359 (VCV001473359.9), dbSNP rs142823648, ClinGen allele CA2366399.

ClinVar aggregate classification (germline): Uncertain significance. Review status: criteria provided, multiple submitters, no conflicts (2 of 4 stars). 3 submissions from 3 submitters: Uncertain significance (3). Last evaluated 2024-12-28.

Conditions:
Inborn genetic diseases. Identifiers: MedGen C0950123, MeSH D030342.
Neurodevelopmental disorder and structural brain anomalies with or without seizures and spasticity. Identifiers: MedGen C5394423, MONDO:0030046, OMIM 618890.

Allele frequency attached by ClinVar (database versions not stated): TOPMed 0.00011; 1000 Genomes Project 30x 0.00078; gnomAD 0.00009 and 0.00013; gnomAD exomes 0.00020 and 0.00017; ExAC 0.00022; 1000 Genomes Project 0.00100.
gnomAD v4.1: 271 of 1,595,164 alleles (0.017%); highest among the groups gnomAD compares: South Asian, 0.086%; 1 homozygote.

Submissions (3):

Labcorp Genetics (formerly Invitae), Labcorp
Classification: Uncertain significance. Last evaluated: 2024-12-28. Review status: criteria provided, single submitter. Criteria: Invitae Variant Classification Sherloc (09022015). Collection method: clinical testing. Allele origin: germline.
Comment: This sequence change replaces arginine, which is basic and polar, with cysteine, which is neutral and slightly polar, at codon 1301 of the PTPN23 protein (p.Arg1301Cys). This variant is present in population databases (rs142823648, gnomAD 0.1%). This variant has not been reported in the literature in individuals affected with PTPN23-related conditions. ClinVar contains an entry for this variant (Variation ID: 1473359). An algorithm developed to predict the effect of missense changes on protein structure and function (PolyPhen-2) suggests that this variant is likely to be disruptive. In summary, the available evidence is currently insufficient to determine the role of this variant in disease. Therefore, it has been classified as a Variant of Uncertain Significance.

Greenwood Genetic Center Diagnostic Laboratories, Greenwood Genetic Center
Classification: Uncertain significance. Last evaluated: 2024-09-03. Review status: criteria provided, single submitter. Criteria: ACMG Guidelines, 2015. Collection method: clinical testing. Allele origin: germline. Affected: yes.
Comment: PM2, BP4

Ambry Genetics
Classification: Uncertain significance for Inborn genetic diseases. Last evaluated: 2023-07-30. Review status: criteria provided, single submitter. Criteria: Ambry Variant Classification Scheme 2023. Collection method: clinical testing. Allele origin: germline.